The following is an entry in ClinVar:

NM_030777.4(SLC2A10):c.*2365T>A

Gene: SLC2A10 (solute carrier family 2 member 10; plus strand). Cytogenetic location: 20q13.12.
Variant type: single nucleotide variant.
Coding change: c.*2365T>A on transcript NM_030777.4 (MANE Select); 2365 bases downstream of the stop codon, T replaced by A.
Molecular consequence: 3 prime UTR variant.
Genome position (GRCh38, 1-based): chr20:46,736,199, T>A. VCF-style: chr20-46736199-T-A. GRCh37 (hg19) VCF-style: chr20-45364838-T-A.
Identifiers: ClinVar variation 338636 (VCV000338636.6), dbSNP rs1136544, ClinGen allele CA10653186.

ClinVar aggregate classification (germline): Benign. Review status: criteria provided, multiple submitters, no conflicts (2 of 4 stars). 2 submissions from 2 submitters: Benign (2). Last evaluated 2018-01-12.

Conditions:
Arterial tortuosity syndrome (ATORS). Identifiers: Orphanet 3342, MedGen C1859726, MONDO:0008818, OMIM 208050.

Allele frequency attached by ClinVar (database versions not stated): gnomAD 0.38922 and 0.39312; TOPMed 0.38965; 1000 Genomes Project 30x 0.40490; 1000 Genomes Project 0.41014.

Submissions (2):

Illumina Laboratory Services, Illumina
Classification: Benign for Arterial tortuosity syndrome. Last evaluated: 2018-01-12. Review status: criteria provided, single submitter. Criteria: ICSL Variant Classification Criteria 13 December 2019. Collection method: clinical testing. Allele origin: germline.
Comment: This variant was observed in the ICSL laboratory as part of a predisposition screen in an ostensibly healthy population. It had not been previously curated by ICSL or reported in the Human Gene Mutation Database (HGMD: prior to June 1st, 2018), and was therefore a candidate for classification through an automated scoring system. Utilizing variant allele frequency, disease prevalence and penetrance estimates, and inheritance mode, an automated score was calculated to assess if this variant is too frequent to cause the disease. Based on the score and internal cut-off values, a variant classified as benign is not then subjected to further curation. The score for this variant resulted in a classification of benign for this disease.

Breakthrough Genomics
Classification: Benign. Review status: criteria provided, single submitter. Criteria: ACMG Guidelines, 2015. Collection method: not provided. Allele origin: germline. Inheritance: Autosomal recessive inheritance. Affected: yes.